The following is an entry in ClinVar:

NM_001365088.1(SLC12A6):c.3003C>T (p.Leu1001=)

Gene: SLC12A6 (solute carrier family 12 member 6; minus strand). Cytogenetic location: 15q14.
Variant type: single nucleotide variant.
Coding change: c.3003C>T on transcript NM_001365088.1 (MANE Select); coding-DNA position 3003, C replaced by T.
Protein change: p.Leu1001=; no amino-acid change (leucine 1001 retained).
Molecular consequence: synonymous variant.
Genome position (GRCh38, 1-based): chr15:34,236,747, G>A on the plus strand (C>T on the coding strand, the complement: SLC12A6 is on the minus strand). VCF-style: chr15-34236747-G-A. GRCh37 (hg19) VCF-style: chr15-34528948-G-A.
Other names: p.Leu1001=; c.2826C>T, p.Leu942= (NM_001042494.2, NM_001042495.2); c.2976C>T, p.Leu992= (NM_001042496.2); c.2958C>T, p.Leu986= (NM_001042497.2); c.2850C>T, p.Leu950= (NM_005135.2); c.3003C>T, p.Leu1001= (NM_133647.2).
Identifiers: ClinVar variation 159896 (VCV000159896.28), dbSNP rs4577050, ClinGen allele CA173445.

ClinVar aggregate classification (germline): Benign. Review status: criteria provided, multiple submitters, no conflicts (2 of 4 stars). 13 submissions from 13 submitters: Benign (10). 3 of the submissions do not count toward it. Last evaluated 2026-02-04.

Conditions:
Agenesis of the corpus callosum with peripheral neuropathy (ACCPN). Also called: HMSN/ACC; Hereditary Motor and Sensory Neuropathy with Agenesis of the Corpus Callosum; POLYNEUROPATHY, SENSORIMOTOR, WITH OR WITHOUT AGENESIS OF THE CORPUS CALLOSUM; CHARLEVOIX DISEASE. Identifiers: Orphanet 1496, MedGen C0795950, MONDO:0000902, OMIM 218000. Disease mechanism: loss of function.

Allele frequency attached by ClinVar (database versions not stated): 1000 Genomes Project 0.57208; 1000 Genomes Project 30x 0.57261; ESP Exome Variant Server 0.59563; TOPMed 0.60154; gnomAD 0.60784 and 0.61075; ExAC 0.65099; gnomAD exomes 0.65834 and 0.67350.
gnomAD v4.1: 1,071,485 of 1,607,134 alleles (67%); highest among the groups gnomAD compares: East Asian, 72%; 360,633 homozygotes.

Submissions (13):

Labcorp Genetics (formerly Invitae), Labcorp
Classification: Benign. Last evaluated: 2026-02-04. Review status: criteria provided, single submitter. Criteria: Invitae Variant Classification Sherloc (09022015). Collection method: clinical testing. Allele origin: germline.

Blueprint Genetics
Classification: Benign. Last evaluated: 2024-11-27. Review status: criteria provided, single submitter. Criteria: ACMG Guidelines, 2015. Collection method: clinical testing. Allele origin: germline.

Genome-Nilou Lab
Classification: Benign for Agenesis of the corpus callosum with peripheral neuropathy. Last evaluated: 2021-07-10. Review status: criteria provided, single submitter. Criteria: ACMG Guidelines, 2015. Collection method: clinical testing. Allele origin: germline. Affected: no.

Illumina Laboratory Services, Illumina
Classification: Benign for Agenesis of the corpus callosum with peripheral neuropathy. Last evaluated: 2018-01-13. Review status: criteria provided, single submitter. Criteria: ICSL Variant Classification Criteria 13 December 2019. Collection method: clinical testing. Allele origin: germline.
Comment: This variant was observed in the ICSL laboratory as part of a predisposition screen in an ostensibly healthy population. It had not been previously curated by ICSL or reported in the Human Gene Mutation Database (HGMD: prior to June 1st, 2018), and was therefore a candidate for classification through an automated scoring system. Utilizing variant allele frequency, disease prevalence and penetrance estimates, and inheritance mode, an automated score was calculated to assess if this variant is too frequent to cause the disease. Based on the score and internal cut-off values, a variant classified as benign is not then subjected to further curation. The score for this variant resulted in a classification of benign for this disease.

Women's Health and Genetics/Laboratory Corporation of America, LabCorp
Classification: Benign. Last evaluated: 2017-02-06. Review status: criteria provided, single submitter. Criteria: LabCorp Variant Classification Summary - May 2015. Collection method: clinical testing. Allele origin: germline.
Comment: Variant summary: The SLC12A6 c.3003C>T (p.Leu1001Leu) variant involves the alteration of a non-conserved nucleotide, resulting in a synonymous change. One in silico tool predicts a polymorphism outcome for this variant. 5/5 splice prediction tools predict no significant impact on normal splicing. ESE finder predicts that this variant may affect ESE sites. This variant was found in 79011/121370 control chromosomes (26234 homozygotes) at a frequency of 0.6509928, which is approximately 26 times the estimated maximal expected allele frequency of a pathogenic SLC12A6 variant (0.025), strong evidence that this variant is a benign polymorphism. In addition, multiple clinical diagnostic laboratories/reputable databases classified this variant as benign. Taken together, this variant is classified as benign.

Mayo Clinic Laboratories, Mayo Clinic
Classification: Benign. Last evaluated: 2015-09-01. Review status: criteria provided, single submitter. Criteria: ACMG Guidelines, 2015. Collection method: clinical testing. Allele origin: germline. Observed: 2,085 variant alleles.

GeneDx
Classification: Benign. Last evaluated: 2015-03-03. Review status: criteria provided, single submitter. Criteria: GeneDx Variant Classification Process June 2021. Collection method: clinical testing. Allele origin: germline. Affected: yes.

Genetic Services Laboratory, University of Chicago
Classification: Benign. Last evaluated: 2013-02-08. Review status: criteria provided, single submitter. Criteria: ACMG Guidelines, 2007. Collection method: clinical testing. Allele origin: germline. Inheritance: Autosomal recessive inheritance.

Breakthrough Genomics
Classification: Benign. Review status: criteria provided, single submitter. Criteria: ACMG Guidelines, 2015. Collection method: not provided. Allele origin: germline. Inheritance: Autosomal recessive inheritance. Affected: yes.

PreventionGenetics, part of Exact Sciences
Classification: Benign. Review status: criteria provided, single submitter. Criteria: ACMG Guidelines, 2015. Collection method: clinical testing. Allele origin: germline.

Natera, Inc.
Classification: Benign for Andermann syndrome. Last evaluated: 2020-09-16. Review status: no assertion criteria provided. Collection method: clinical testing. Allele origin: germline. Not counted in ClinVar's aggregate classification.

Clinical Genetics, Academic Medical Center
Classification: Benign. Review status: no assertion criteria provided. Collection method: clinical testing. Allele origin: germline. Affected: yes. Study: VKGL Data-share Consensus. Not counted in ClinVar's aggregate classification.

Diagnostic Laboratory, Department of Genetics, University Medical Center Groningen
Classification: Benign for Agenesis of the corpus callosum with peripheral neuropathy. Review status: no assertion criteria provided. Collection method: clinical testing. Allele origin: germline. Affected: yes. Study: VKGL Data-share Consensus. Not counted in ClinVar's aggregate classification.